The following is an entry in ClinVar:

NM_001613.4(ACTA2):c.1007A>G (p.Glu336Gly)

Genes: ACTA2-AS1 (ACTA2 antisense RNA 1; plus strand), ACTA2 (actin alpha 2, smooth muscle; minus strand). Cytogenetic location: 10q23.31.
Variant type: single nucleotide variant.
Coding change: c.1007A>G on transcript NM_001613.4 (MANE Select); coding-DNA position 1007, A replaced by G.
Protein change: p.Glu336Gly; replaces glutamic acid 336 with glycine.
Molecular consequence: missense variant. On other transcripts: non-coding transcript variant (1).
Genome position (GRCh38, 1-based): chr10:88,935,350, T>C on the plus strand (A>G on the coding strand, the complement: ACTA2 is on the minus strand). VCF-style: chr10-88935350-T-C. GRCh37 (hg19) VCF-style: chr10-90695107-T-C.
Other names: c.1007A>G, p.Glu336Gly (NM_001141945.3, NM_001320855.2, NM_001406462.1 and 2 more transcripts); c.896A>G, p.Glu299Gly (NM_001406466.1); c.878A>G, p.Glu293Gly (NM_001406467.1, NM_001406468.1, NM_001406469.1); c.815A>G, p.Glu272Gly (NM_001406471.1); short protein forms E336G, E293G, E299G, E272G.
Identifiers: ClinVar variation 519582 (VCV000519582.7), dbSNP rs772067065, ClinGen allele CA026682.

ClinVar aggregate classification (germline): Uncertain significance (1 of 4 stars; one submission).

Conditions:
Familial thoracic aortic aneurysm and aortic dissection (TAAD). Also called: Thoracic aortic aneurysms and dissections. Identifiers: Orphanet 91387, MedGen C4707243, MONDO:0019625.

Allele frequency attached by ClinVar (database versions not stated): gnomAD exomes below 0.00001; ExAC 0.00001.

Submission:

Ambry Genetics
Classification: Uncertain significance for Familial thoracic aortic aneurysm and aortic dissection. Last evaluated: 2017-06-05. Review status: criteria provided, single submitter. Criteria: Ambry Variant Classification Scheme 2023. Collection method: clinical testing. Allele origin: germline.
Comment: The p.E336G variant (also known as c.1007A>G), located in coding exon 8 of the ACTA2 gene, results from an A to G substitution at nucleotide position 1007. The glutamic acid at codon 336 is replaced by glycine, an amino acid with similar properties. This amino acid position is highly conserved in available vertebrate species. In addition, this alteration is predicted to be deleterious by in silico analysis. Since supporting evidence is limited at this time, the clinical significance of this alteration remains unclear.